The following is an entry in ClinVar:

NM_000215.4(JAK3):c.1732C>T (p.Gln578Ter)

Gene: JAK3 (Janus kinase 3; minus strand). Cytogenetic location: 19p13.11.
Variant type: single nucleotide variant.
Coding change: c.1732C>T on transcript NM_000215.4 (MANE Select); coding-DNA position 1732, C replaced by T.
Protein change: p.Gln578Ter; replaces glutamine 578 with a stop codon.
Molecular consequence: nonsense.
Genome position (GRCh38, 1-based): chr19:17,837,183, G>A on the plus strand (C>T on the coding strand, the complement: JAK3 is on the minus strand). VCF-style: chr19-17837183-G-A. GRCh37 (hg19) VCF-style: chr19-17947992-G-A.
Other names: short protein forms Q578*.
Identifiers: ClinVar variation 3256936 (VCV003256936.1).
Genomic context (GRCh38, chr19:17,837,183, plus strand): 5'-TCTCACTGTCTCCAGCCATGCACACGCCGTGGAGCAGCACGAGATGCCGGTACGACACTT[G>A]GCTCATCAAGCTCGCTGCTTCCAGGAATGACTGGGGAAGGTGGGAAGGGAGAGAAGATGC-3'

ClinVar aggregate classification (germline): Likely pathogenic (1 of 4 stars; one submission).

Conditions:
Susceptibility to severe COVID-19.

Submission:

Molecular Medicine Center, Medical University of Sofia
Classification: Likely pathogenic for Susceptibility to severe COVID-19. Last evaluated: 2024-07-22. Review status: criteria provided, single submitter. Criteria: ACMG Guidelines, 2015. Collection method: research. Allele origin: germline. Affected: yes.
Comment: Novel (unreported in gnomAD or dbSNP until April 2024) variant found in severely infected COVID-19 Bulgarian patients in a research study. Variant is classified as likely pathogenic according to the ACMG criteria: PM2,PVS1.